The following is an entry in ClinVar:

NM_030958.3(SLCO5A1):c.317C>A (p.Ser106Ter)

Gene: SLCO5A1 (solute carrier organic anion transporter family member 5A1; minus strand). Cytogenetic location: 8q13.3.
Variant type: single nucleotide variant.
Coding change: c.317C>A on transcript NM_030958.3 (MANE Select); coding-DNA position 317, C replaced by A.
Protein change: p.Ser106Ter; replaces serine 106 with a stop codon.
Molecular consequence: nonsense.
Genome position (GRCh38, 1-based): chr8:69,832,357, G>T on the plus strand (C>A on the coding strand, the complement: SLCO5A1 is on the minus strand). VCF-style: chr8-69832357-G-T. GRCh37 (hg19) VCF-style: chr8-70744592-G-T.
Other names: c.317C>A, p.Ser106Ter (NM_001146008.2, NM_001146009.1); short protein forms S106*.
Identifiers: ClinVar variation 2980996 (VCV002980996.3), dbSNP rs375811111, ClinGen allele CA4776830.

ClinVar aggregate classification (germline): Uncertain significance (1 of 4 stars; one submission).

gnomAD v4.1: 3 of 1,614,036 alleles (0.00019%); highest among the groups gnomAD compares: Admixed American, 0.005%; no homozygotes.

Submission:

Labcorp Genetics (formerly Invitae), Labcorp
Classification: Uncertain significance. Last evaluated: 2024-07-05. Review status: criteria provided, single submitter. Criteria: Invitae Variant Classification Sherloc (09022015). Collection method: clinical testing. Allele origin: germline.
Comment: This sequence change creates a premature translational stop signal (p.Ser106*) in the SLCO5A1 gene. It is expected to result in an absent or disrupted protein product. However, the current clinical and genetic evidence is not sufficient to establish whether loss-of-function variants in SLCO5A1 cause disease. This variant is present in population databases (rs375811111, gnomAD 0.01%). This variant has not been reported in the literature in individuals affected with SLCO5A1-related conditions. In summary, the available evidence is currently insufficient to determine the role of this variant in disease. Therefore, it has been classified as a Variant of Uncertain Significance.